The following is an entry in ClinVar:

ClinVar aggregate classification (germline): Conflicting classifications of pathogenicity. Review status: criteria provided, conflicting classifications (1 of 4 stars). 2 submissions from 2 submitters: Uncertain significance (1); Likely benign (1). Last evaluated 2022-08-05.

Conditions:
Telangiectasia, hereditary hemorrhagic, type 5 (HHT5). Identifiers: Orphanet 774, MedGen C3809710, MONDO:0014217, OMIM 615506.

Allele frequency attached by ClinVar (database versions not stated): gnomAD exomes below 0.00001; gnomAD 0.00001; TOPMed 0.00001.

Submissions (2):

Labcorp Genetics (formerly Invitae), Labcorp
Classification: Likely benign for Telangiectasia, hereditary hemorrhagic, type 5. Last evaluated: 2022-08-05. Review status: criteria provided, single submitter. Criteria: Invitae Variant Classification Sherloc (09022015). Collection method: clinical testing. Allele origin: germline.

Baylor Genetics
Classification: Uncertain significance for Telangiectasia, hereditary hemorrhagic, type 5. Last evaluated: 2018-01-02. Review status: criteria provided, single submitter. Criteria: ACMG Guidelines, 2015. Collection method: clinical testing. Allele origin: unknown. Affected: yes.
Comment: This variant was determined to be of uncertain significance according to ACMG Guidelines, 2015 [PMID:25741868].

NM_016204.4(GDF2):c.252G>A (p.Glu84=)

Gene: GDF2 (growth differentiation factor 2; plus strand). Cytogenetic location: 10q11.22.
Variant type: single nucleotide variant.
Coding change: c.252G>A on transcript NM_016204.4 (MANE Select); coding-DNA position 252, G replaced by A.
Protein change: p.Glu84=; no amino-acid change (glutamic acid 84 retained).
Molecular consequence: synonymous variant.
Genome position (GRCh38, 1-based): chr10:47,322,920, G>A. VCF-style: chr10-47322920-G-A. GRCh37 (hg19) VCF-style: chr10-48416442-C-T.
Identifiers: ClinVar variation 1033807 (VCV001033807.6), dbSNP rs1410431494, ClinGen allele CA469568928.